The following is an entry in ClinVar:

NM_015346.4(ZFYVE26):c.4492A>C (p.Ile1498Leu)

Gene: ZFYVE26 (zinc finger FYVE-type containing 26; minus strand). Cytogenetic location: 14q24.1.
Variant type: single nucleotide variant.
Coding change: c.4492A>C on transcript NM_015346.4 (MANE Select); coding-DNA position 4492, A replaced by C.
Protein change: p.Ile1498Leu; replaces isoleucine 1498 with leucine.
Molecular consequence: missense variant.
Genome position (GRCh38, 1-based): chr14:67,781,410, T>G on the plus strand (A>C on the coding strand, the complement: ZFYVE26 is on the minus strand). VCF-style: chr14-67781410-T-G. GRCh37 (hg19) VCF-style: chr14-68248127-T-G.
Other names: short protein forms I1498L.
Identifiers: ClinVar variation 666180 (VCV000666180.10), dbSNP rs1284822199, ClinGen allele CA390169691.
Genomic context (GRCh38, chr14:67,781,410, plus strand): 5'-GCTCCGCCAGCTTCCTCTGTAGCTCACACTTTAGTCCTTCTTGGACAGCCGTGTCTGAAA[T>G]GCAGTAGGCCAGAATCTCCAGGCATGACTCCAGGGGCCACCTGTCCACAAACTGTAGGGC-3'
Protein context (NP_056161.2, residues 1488-1508): ESCLEILAYC[Ile1498Leu]SDTAVQEGLK

ClinVar aggregate classification (germline): Uncertain significance (1 of 4 stars; one submission).

Conditions:
Spastic paraplegia. Identifiers: MedGen C0037772, HP:0001258.

Submission:

Labcorp Genetics (formerly Invitae), Labcorp
Classification: Uncertain significance for Spastic paraplegia. Last evaluated: 2022-01-06. Review status: criteria provided, single submitter. Criteria: Invitae Variant Classification Sherloc (09022015). Collection method: clinical testing. Allele origin: germline.
Comment: This variant has not been reported in the literature in individuals affected with ZFYVE26-related conditions. This variant is not present in population databases (gnomAD no frequency). This sequence change replaces isoleucine, which is neutral and non-polar, with leucine, which is neutral and non-polar, at codon 1498 of the ZFYVE26 protein (p.Ile1498Leu). ClinVar contains an entry for this variant (Variation ID: 666180). In summary, the available evidence is currently insufficient to determine the role of this variant in disease. Therefore, it has been classified as a Variant of Uncertain Significance. Algorithms developed to predict the effect of missense changes on protein structure and function output the following: SIFT: "Tolerated"; PolyPhen-2: "Benign"; Align-GVGD: "Class C0". The leucine amino acid residue is found in multiple mammalian species, which suggests that this missense change does not adversely affect protein function.